The following is an entry in ClinVar:

NM_015512.5(DNAH1):c.1030G>A (p.Glu344Lys)

Gene: DNAH1 (dynein axonemal heavy chain 1; plus strand). Cytogenetic location: 3p21.1.
Variant type: single nucleotide variant.
Coding change: c.1030G>A on transcript NM_015512.5 (MANE Select); coding-DNA position 1030, G replaced by A.
Protein change: p.Glu344Lys; replaces glutamic acid 344 with lysine.
Molecular consequence: missense variant.
Genome position (GRCh38, 1-based): chr3:52,331,306, G>A. VCF-style: chr3-52331306-G-A. GRCh37 (hg19) VCF-style: chr3-52365322-G-A.
Other names: short protein forms E344K.
Identifiers: ClinVar variation 658690 (VCV000658690.5), dbSNP rs775812913, ClinGen allele CA2432846.

ClinVar aggregate classification (germline): Uncertain significance. Review status: criteria provided, multiple submitters, no conflicts (2 of 4 stars). 2 submissions from 2 submitters: Uncertain significance (2). Last evaluated 2023-02-15.

Conditions:
Spermatogenic failure 18. Identifiers: MedGen C4539783, MONDO:0054615, OMIM 617576.
Ciliary dyskinesia, primary, 37 (CILD37). Also called: CILIARY DYSKINESIA, PRIMARY, 37, WITH OR WITHOUT SITUS INVERSUS. Identifiers: MedGen C4539798, MONDO:0033204, OMIM 617577.

Allele frequency attached by ClinVar (database versions not stated): gnomAD 0.00003 and 0.00004; gnomAD exomes 0.00004 and 0.00006; TOPMed 0.00004; ExAC 0.00007.

Submissions (2):

Ambry Genetics
Classification: Uncertain significance. Last evaluated: 2023-02-15. Review status: criteria provided, single submitter. Criteria: Ambry Variant Classification Scheme 2023. Collection method: clinical testing. Allele origin: germline.

Labcorp Genetics (formerly Invitae), Labcorp
Classification: Uncertain significance for Ciliary dyskinesia, primary, 37; Spermatogenic failure 18. Last evaluated: 2022-10-26. Review status: criteria provided, single submitter. Criteria: Invitae Variant Classification Sherloc (09022015). Collection method: clinical testing. Allele origin: germline.
Comment: Algorithms developed to predict the effect of missense changes on protein structure and function output the following: SIFT: "Deleterious"; PolyPhen-2: "Benign"; Align-GVGD: "Class C0". The lysine amino acid residue is found in multiple mammalian species, which suggests that this missense change does not adversely affect protein function. In summary, the available evidence is currently insufficient to determine the role of this variant in disease. Therefore, it has been classified as a Variant of Uncertain Significance. ClinVar contains an entry for this variant (Variation ID: 658690). This variant has not been reported in the literature in individuals affected with DNAH1-related conditions. This variant is present in population databases (rs775812913, gnomAD 0.007%). This sequence change replaces glutamic acid, which is acidic and polar, with lysine, which is basic and polar, at codon 344 of the DNAH1 protein (p.Glu344Lys).